The following is an entry in ClinVar:

NM_002470.4(MYH3):c.3568_3576del (p.Val1190_Ala1192del)

Gene: MYH3 (myosin heavy chain 3; minus strand). Cytogenetic location: 17p13.1.
Variant type: Deletion.
Coding change: c.3568_3576del on transcript NM_002470.4 (MANE Select); coding-DNA positions 3568 to 3576, 9 bases deleted (GTGGCCGCG; older notation c.3568_3576delGTGGCCGCG).
Protein change: p.Val1190_Ala1192del.
Molecular consequence: inframe deletion.
Genome position (GRCh38, 1-based): chr17:10,638,196-10,638,204, CGCGGCCAC deleted on the plus strand (GTGGCCGCG on the coding strand, the reverse complement: MYH3 is on the minus strand); deleting any 9 consecutive bases within chr17:10,638,196-10,638,205 gives the same sequence; the c. name uses the placement nearest the transcript's 3' end. VCF-style (leftmost placement, unchanged base first): chr17-10638195-GCGCGGCCAC-G. GRCh37 (hg19) VCF-style: chr17-10541512-GCGCGGCCAC-G.
Identifiers: ClinVar variation 1381694 (VCV001381694.8), dbSNP rs2142395389, ClinGen allele CA2573152956.

ClinVar aggregate classification (germline): Conflicting classifications of pathogenicity. Review status: criteria provided, conflicting classifications (1 of 4 stars). 2 submissions from 2 submitters: Likely pathogenic (1); Uncertain significance (1). Last evaluated 2023-06-05.

Submissions (2):

GeneDx
Classification: Likely pathogenic. Last evaluated: 2023-06-05. Review status: criteria provided, single submitter. Criteria: GeneDx Variant Classification Process June 2021. Collection method: clinical testing. Allele origin: germline. Affected: yes.
Comment: In-frame deletion of 3 amino acids in a non-repeat region; Not observed at significant frequency in large population cohorts (gnomAD); In silico analysis supports a deleterious effect on protein structure/function; Has not been previously published as pathogenic or benign to our knowledge

Labcorp Genetics (formerly Invitae), Labcorp
Classification: Uncertain significance. Last evaluated: 2022-11-22. Review status: criteria provided, single submitter. Criteria: Invitae Variant Classification Sherloc (09022015). Collection method: clinical testing. Allele origin: germline.
Comment: This variant is not present in population databases (gnomAD no frequency). In summary, the available evidence is currently insufficient to determine the role of this variant in disease. Therefore, it has been classified as a Variant of Uncertain Significance. Experimental studies and prediction algorithms are not available or were not evaluated, and the functional significance of this variant is currently unknown. ClinVar contains an entry for this variant (Variation ID: 1381694). This variant has not been reported in the literature in individuals affected with MYH3-related conditions. This variant, c.3568_3576del, results in the deletion of 3 amino acid(s) of the MYH3 protein (p.Val1190_Ala1192del), but otherwise preserves the integrity of the reading frame.